The following is an entry in ClinVar:

ClinVar aggregate classification (germline): Uncertain significance (1 of 4 stars; one submission).

Submission:

Dasa
Classification: Uncertain significance. Last evaluated: 2025-07-08. Review status: criteria provided, single submitter. Criteria: DASA Assertion Criteria. Collection method: clinical testing. Allele origin: germline.
Comment: NM_006922.4(SCN3A):c.4610G>T (p.Cys1537Phe) is a missense variant that results in the substitution of cysteine with phenylalanine. This variant is absent from population databases. Computational prediction algorithms are consistent with a deleterious effect. The currently available literature and clinical evidence are not sufficient to establish a definitive association between this variant and the reported condition. Therefore, this variant is classified as a variant of uncertain significance.

NM_006922.4(SCN3A):c.4610G>T (p.Cys1537Phe)

Gene: SCN3A (sodium voltage-gated channel alpha subunit 3; minus strand). Cytogenetic location: 2q24.3.
Variant type: single nucleotide variant.
Coding change: c.4610G>T on transcript NM_006922.4 (MANE Select); coding-DNA position 4610, G replaced by T.
Protein change: p.Cys1537Phe; replaces cysteine 1537 with phenylalanine.
Molecular consequence: missense variant.
Genome position (GRCh38, 1-based): chr2:165,092,451, C>A on the plus strand (G>T on the coding strand, the complement: SCN3A is on the minus strand). VCF-style: chr2-165092451-C-A. GRCh37 (hg19) VCF-style: chr2-165948961-C-A.
Other names: c.4463G>T, p.Cys1488Phe (NM_001081676.2, NM_001081677.2); short protein forms C1488F, C1537F.
Identifiers: ClinVar variation 4882006 (VCV004882006.2).